The following is an entry in ClinVar:

NM_001206927.2(DNAH8):c.12739T>C (p.Phe4247Leu)

Gene: DNAH8 (dynein axonemal heavy chain 8; plus strand). Cytogenetic location: 6p21.2.
Variant type: single nucleotide variant.
Coding change: c.12739T>C on transcript NM_001206927.2 (MANE Select); coding-DNA position 12739, T replaced by C.
Protein change: p.Phe4247Leu; replaces phenylalanine 4247 with leucine.
Molecular consequence: missense variant.
Genome position (GRCh38, 1-based): chr6:38,974,434, T>C. VCF-style: chr6-38974434-T-C. GRCh37 (hg19) VCF-style: chr6-38942210-T-C.
Other names: c.12088T>C, p.Phe4030Leu (NM_001371.4); short protein forms F4030L, F4247L.
Identifiers: ClinVar variation 656096 (VCV000656096.2), dbSNP rs1583486346, ClinGen allele CA364004389.

ClinVar aggregate classification (germline): Uncertain significance (1 of 4 stars; one submission).

Conditions:
Primary ciliary dyskinesia. Also called: Ciliary dyskinesia. Identifiers: Orphanet 244, MedGen C0008780, MONDO:0016575, HP:0012265.

Allele frequency attached by ClinVar (database versions not stated): gnomAD exomes below 0.00001; TOPMed below 0.00001; gnomAD 0.00001.

Submission:

Labcorp Genetics (formerly Invitae), Labcorp
Classification: Uncertain significance for Primary ciliary dyskinesia. Last evaluated: 2025-04-03. Review status: criteria provided, single submitter. Criteria: Invitae Variant Classification Sherloc (09022015). Collection method: clinical testing. Allele origin: germline.
Comment: This sequence change replaces phenylalanine, which is neutral and non-polar, with leucine, which is neutral and non-polar, at codon 4247 of the DNAH8 protein (p.Phe4247Leu). This variant is not present in population databases (gnomAD no frequency). This variant has not been reported in the literature in individuals affected with DNAH8-related conditions. ClinVar contains an entry for this variant (Variation ID: 656096). Invitae Evidence Modeling of protein sequence and biophysical properties (such as structural, functional, and spatial information, amino acid conservation, physicochemical variation, residue mobility, and thermodynamic stability) indicates that this missense variant is not expected to disrupt DNAH8 protein function with a negative predictive value of 80%. In summary, the available evidence is currently insufficient to determine the role of this variant in disease. Therefore, it has been classified as a Variant of Uncertain Significance.